The following is an entry in ClinVar:

NM_000049.4(ASPA):c.276G>C (p.Arg92Ser)

Genes: ASPA (aspartoacylase; plus strand), SPATA22 (spermatogenesis associated 22; minus strand). Cytogenetic location: 17p13.2.
Variant type: single nucleotide variant.
Coding change: c.276G>C on transcript NM_000049.4 (MANE Select); coding-DNA position 276, G replaced by C.
Protein change: p.Arg92Ser; replaces arginine 92 with serine.
Molecular consequence: missense variant. On other transcripts: intron variant (2).
Genome position (GRCh38, 1-based): chr17:3,481,642, G>C. VCF-style: chr17-3481642-G-C. GRCh37 (hg19) VCF-style: chr17-3384936-G-C.
Other names: c.276G>C, p.Arg92Ser (NM_001128085.1); c.-73-12244C>G (NM_001321336.2, NM_001321337.2); short protein forms R92S.
Identifiers: ClinVar variation 808197 (VCV000808197.41), dbSNP rs776297759, ClinGen allele CA8288889.

ClinVar aggregate classification (germline): Uncertain significance. Review status: criteria provided, multiple submitters, no conflicts (2 of 4 stars). 2 submissions from 2 submitters: Uncertain significance (2). Last evaluated 2024-01-01.

Conditions:
Inborn genetic diseases. Identifiers: MedGen C0950123, MeSH D030342.

Allele frequency attached by ClinVar (database versions not stated): TOPMed 0.00001.
gnomAD v4.1: 25 of 1,613,584 alleles (0.0015%); highest among the groups gnomAD compares: Non-Finnish European, 0.0021%; 1 homozygote.

Submissions (2):

CeGaT Center for Human Genetics Tuebingen
Classification: Uncertain significance. Last evaluated: 2024-01-01. Review status: criteria provided, single submitter. Criteria: CeGaT Center For Human Genetics Tuebingen Variant Classification Criteria Version 2. Collection method: clinical testing. Allele origin: germline. Affected: yes. Observed: 1 variant allele.
Comment: ASPA: PM2

Ambry Genetics
Classification: Uncertain significance for Inborn genetic diseases. Last evaluated: 2023-12-28. Review status: criteria provided, single submitter. Criteria: Ambry Variant Classification Scheme 2023. Collection method: clinical testing. Allele origin: germline.